The following is an entry in ClinVar:

ClinVar aggregate classification (germline): Uncertain significance (1 of 4 stars; one submission).

Submission:

Ambry Genetics
Classification: Uncertain significance. Last evaluated: 2024-11-11. Review status: criteria provided, single submitter. Criteria: Ambry Variant Classification Scheme 2023. Collection method: clinical testing. Allele origin: germline.
Comment: The p.P1001L variant (also known as c.3002C>T), located in coding exon 1 of the MLH3 gene, results from a C to T substitution at nucleotide position 3002. The proline at codon 1001 is replaced by leucine, an amino acid with similar properties. This amino acid position is conserved. In addition, this alteration is predicted to be tolerated by in silico analysis. Based on the available evidence, the clinical significance of this variant remains unclear.

NM_001040108.2(MLH3):c.3002C>T (p.Pro1001Leu)

Gene: MLH3 (mutL homolog 3; minus strand). Cytogenetic location: 14q24.3.
Variant type: single nucleotide variant.
Coding change: c.3002C>T on transcript NM_001040108.2 (MANE Select); coding-DNA position 3002, C replaced by T.
Protein change: p.Pro1001Leu; replaces proline 1001 with leucine.
Molecular consequence: missense variant.
Genome position (GRCh38, 1-based): chr14:75,046,654, G>A on the plus strand (C>T on the coding strand, the complement: MLH3 is on the minus strand). VCF-style: chr14-75046654-G-A. GRCh37 (hg19) VCF-style: chr14-75513357-G-A.
Other names: c.3002C>T, p.Pro1001Leu (NM_014381.3); short protein forms P1001L.
Identifiers: ClinVar variation 3396766 (VCV003396766.1).